The following is an entry in ClinVar:

NM_000053.4(ATP7B):c.306T>A (p.Tyr102Ter)

Gene: ATP7B (ATPase copper transporting beta; minus strand). Cytogenetic location: 13q14.3.
Variant type: single nucleotide variant.
Coding change: c.306T>A on transcript NM_000053.4 (MANE Select); coding-DNA position 306, T replaced by A.
Protein change: p.Tyr102Ter; replaces tyrosine 102 with a stop codon.
Molecular consequence: nonsense.
Genome position (GRCh38, 1-based): chr13:51,974,914, A>T on the plus strand (T>A on the coding strand, the complement: ATP7B is on the minus strand). VCF-style: chr13-51974914-A-T. GRCh37 (hg19) VCF-style: chr13-52549050-A-T.
Other names: c.306T>A, p.Tyr102Ter (NM_001005918.3, NM_001243182.2, NM_001330578.2 and 30 more transcripts); c.210T>A, p.Tyr70Ter (NM_001406517.1, NM_001406518.1, NM_001406543.1 and 4 more transcripts); short protein forms Y102*, Y70*.
Identifiers: ClinVar variation 2679813 (VCV002679813.3), dbSNP rs1342474321, ClinGen allele CA388044520.

ClinVar aggregate classification (germline): Likely pathogenic. Review status: criteria provided, multiple submitters, no conflicts (2 of 4 stars). 2 submissions from 2 submitters: Likely pathogenic (2). Last evaluated 2023-03-20.

Conditions:
Wilson disease (WND). Also called: Wilson's disease. Identifiers: Orphanet 905, MedGen C0019202, MONDO:0010200, OMIM 277900. Disease mechanism: loss of function.

Allele frequency attached by ClinVar (database versions not stated): TOPMed 0.00001.

Submissions (2):

Baylor Genetics
Classification: Likely pathogenic for Wilson disease. Last evaluated: 2023-03-20. Review status: criteria provided, single submitter. Criteria: ACMG Guidelines, 2015. Collection method: clinical testing. Allele origin: unknown.

Juno Genomics, Hangzhou Juno Genomics, Inc
Classification: Likely pathogenic for Wilson disease. Review status: criteria provided, single submitter. Criteria: ACMG Guidelines, 2015. Collection method: clinical testing. Allele origin: germline.
Comment: Null variant in a gene where loss of function (LOF) is a known mechanism of disease.;Absent from controls (or at extremely low frequency if recessive) in Genome Aggregation Database.